The following is an entry in ClinVar:

ClinVar aggregate classification (germline): Likely pathogenic (1 of 4 stars; one submission).

Conditions:
Early-onset Parkinson disease 20. Also called: PARKINSON DISEASE 20, AUTOSOMAL RECESSIVE EARLY-ONSET. Identifiers: Orphanet 391411, MedGen C3809824, MONDO:0014233, OMIM 615530.
Developmental and epileptic encephalopathy, 53. Also called: Epileptic encephalopathy, early infantile, 53. Identifiers: MedGen C4479313, MONDO:0033362, OMIM 617389.

gnomAD v4.1: 7 of 1,613,498 alleles (0.00043%); highest among the groups gnomAD compares: Non-Finnish European, 0.00059%; no homozygotes.

Submission:

Labcorp Genetics (formerly Invitae), Labcorp
Classification: Likely pathogenic for Developmental and epileptic encephalopathy, 53; Early-onset Parkinson disease 20. Last evaluated: 2022-12-04. Review status: criteria provided, single submitter. Criteria: Invitae Variant Classification Sherloc (09022015). Collection method: clinical testing. Allele origin: germline.
Comment: This variant has not been reported in the literature in individuals affected with SYNJ1-related conditions. In summary, the currently available evidence indicates that the variant is pathogenic, but additional data are needed to prove that conclusively. Therefore, this variant has been classified as Likely Pathogenic. Algorithms developed to predict the effect of sequence changes on RNA splicing suggest that this variant may disrupt the consensus splice site. This sequence change affects a donor splice site in intron 24 of the SYNJ1 gene. It is expected to disrupt RNA splicing. Variants that disrupt the donor or acceptor splice site typically lead to a loss of protein function (PMID: 16199547), and loss-of-function variants in SYNJ1 are known to be pathogenic (PMID: 25316601, 27435091). This variant is not present in population databases (gnomAD no frequency).

Literature cited by the submitters: PubMed 16199547; PubMed 25316601; PubMed 27435091.

NM_203446.3(SYNJ1):c.3247+2T>G

Gene: SYNJ1 (synaptojanin 1; minus strand). Cytogenetic location: 21q22.11.
Variant type: single nucleotide variant.
Coding change: c.3247+2T>G on transcript NM_203446.3 (MANE Select); the canonical splice donor site of the intron after coding-DNA position 3247, T replaced by G.
Molecular consequence: splice donor variant.
Genome position (GRCh38, 1-based): chr21:32,646,391, A>C on the plus strand (T>G on the coding strand, the complement: SYNJ1 is on the minus strand). VCF-style: chr21-32646391-A-C. GRCh37 (hg19) VCF-style: chr21-34018701-A-C.
Other names: c.3364+2T>G (NM_003895.4); c.3247+2T>G (NM_001160302.2); c.3232+2T>G (NM_001160306.2).
Identifiers: ClinVar variation 2935019 (VCV002935019.3), dbSNP rs2517442308, ClinGen allele CA410068818.